The following is an entry in ClinVar:

NM_020975.6(RET):c.124G>T (p.Val42Leu)

Gene: RET (ret proto-oncogene; plus strand). Cytogenetic location: 10q11.21.
Variant type: single nucleotide variant.
Coding change: c.124G>T on transcript NM_020975.6 (MANE Select); coding-DNA position 124, G replaced by T.
Protein change: p.Val42Leu; replaces valine 42 with leucine.
Molecular consequence: missense variant.
Genome position (GRCh38, 1-based): chr10:43,100,509, G>T. VCF-style: chr10-43100509-G-T. GRCh37 (hg19) VCF-style: chr10-43595957-G-T.
Other names: c.124G>T, p.Val42Leu (NM_000323.2, NM_001406743.1, NM_001406744.1 and 34 more transcripts); short protein forms V42L.
Identifiers: ClinVar variation 1379127 (VCV001379127.8), dbSNP rs2132658120, ClinGen allele CA376770147.

ClinVar aggregate classification (germline): Conflicting classifications of pathogenicity. Review status: criteria provided, conflicting classifications (1 of 4 stars). 2 submissions from 2 submitters: Uncertain significance (1); Likely benign (1). Last evaluated 2024-10-18.

Conditions:
Hereditary cancer-predisposing syndrome. Also called: Neoplastic Syndromes, Hereditary; Hereditary Cancer Syndrome; Tumor predisposition; Hereditary neoplastic syndrome. Identifiers: Orphanet 140162, MedGen C0027672, MeSH D009386, MONDO:0015356.
Multiple endocrine neoplasia, type 2 (MEN2). Identifiers: Orphanet 653, MedGen C4048306, MONDO:0019003. Disease mechanism: gain of function.

Submissions (2):

Ambry Genetics
Classification: Likely benign for Hereditary cancer-predisposing syndrome. Last evaluated: 2024-10-18. Review status: criteria provided, single submitter. Criteria: Ambry Variant Classification Scheme 2023. Collection method: clinical testing. Allele origin: germline.

Labcorp Genetics (formerly Invitae), Labcorp
Classification: Uncertain significance for Multiple endocrine neoplasia, type 2. Last evaluated: 2023-08-23. Review status: criteria provided, single submitter. Criteria: Invitae Variant Classification Sherloc (09022015). Collection method: clinical testing. Allele origin: germline.
Comment: This variant has not been reported in the literature in individuals affected with RET-related conditions. In summary, the available evidence is currently insufficient to determine the role of this variant in disease. Therefore, it has been classified as a Variant of Uncertain Significance. Algorithms developed to predict the effect of missense changes on protein structure and function output the following: SIFT: "Not Available"; PolyPhen-2: "Benign"; Align-GVGD: "Not Available". The leucine amino acid residue is found in multiple mammalian species, which suggests that this missense change does not adversely affect protein function. ClinVar contains an entry for this variant (Variation ID: 1379127). This variant is not present in population databases (gnomAD no frequency). This sequence change replaces valine, which is neutral and non-polar, with leucine, which is neutral and non-polar, at codon 42 of the RET protein (p.Val42Leu).